The following is an entry in ClinVar:

ClinVar aggregate classification (germline): Likely pathogenic (3 of 4 stars; one submission).

Conditions:
Open-angle glaucoma. Identifiers: MedGen C0017612, MONDO:0005338, HP:0012108.

Allele frequency attached by ClinVar (database versions not stated): gnomAD exomes below 0.00001.
gnomAD v4.1: 1 of 1,601,418 alleles (0.000062%); highest among the groups gnomAD compares: Non-Finnish European, 0.000085%; no homozygotes.

Submission:

ClinGen Glaucoma Variant Curation Expert Panel
Classification: Likely pathogenic for Open-angle glaucoma. Last evaluated: 2025-10-08. Review status: reviewed by expert panel. Criteria: ClinGen Glaucoma ACMG Specifications V2.0.0 Approved. Collection method: curation. Allele origin: germline. Inheritance: Autosomal dominant inheritance.
Comment: The c.736G>A variant in MYOC is a missense variant predicted to cause substitution of Glycine by Arginine at amino acid 246 (p.Gly246Arg). The highest minor allele frequency of this variant was in the European (non-Finnish) genetic ancestry group of gnomAD (v4.1.0) = 0.0000008475 (1 allele out of 1,179,938), which met the ≤ 0.0001 threshold set for PM2_Supporting in a genetic ancestry group of at least 10,000 alleles. The REVEL score = 0.9, which was within the 0.773-0.931 range for PP3_Moderate, predicting a damaging effect on MYOC function. The Gly246Arg protein had increased insolubility and instability and reduced secretion levels compared to wild type myocilin protein in these studies (PMIDs: 16466712, 21612213, 23129764). The assays met the OddsPath threshold for PS3_Moderate (> 4.3), indicating that this variant did impact protein function. This protein has also been assessed in these other studies (PMIDs: 16297911, 27092720), however, the same level of evidence was not met. 6 segregations in 1 family, with juvenile open angle glaucoma (JOAG), have been reported (PMID: 9328473), which fulfilled PP1_Moderate (5-6 meioses). Only 1 proband with JOAG had been reported (PMID: 9328473), not meeting the ≥ 2 probands threshold required to meet PS4_Supporting. In summary, this variant met the criteria to receive a score of 7 and to be classified as likely pathogenic (likely pathogenic classification range 6 to 9, adapted from PMID: 32720330) for juvenile open angle glaucoma based on the ACMG/AMP criteria met, as specified by the ClinGen Glaucoma VCEP (v2.0.0, 5 Dec 2024): PS3_Moderate, PP1_Moderate, PP3_Moderate, PM2_Supporting.

Literature cited by the submitters: PubMed 21612213; PubMed 23129764; PubMed 25524706.

NM_000261.2(MYOC):c.736G>A (p.Gly246Arg)

Gene: MYOC (myocilin; minus strand). Cytogenetic location: 1q24.3.
Variant type: single nucleotide variant.
Coding change: c.736G>A on transcript NM_000261.2 (MANE Select); coding-DNA position 736, G replaced by A.
Protein change: p.Gly246Arg; replaces glycine 246 with arginine.
Molecular consequence: missense variant.
Genome position (GRCh38, 1-based): chr1:171,636,704, C>T on the plus strand (G>A on the coding strand, the complement: MYOC is on the minus strand). VCF-style: chr1-171636704-C-T. GRCh37 (hg19) VCF-style: chr1-171605844-C-T.
Other names: NM_000261.2:c.736G>A; short protein forms G246R.
Identifiers: ClinVar variation 1342210 (VCV001342210.6), dbSNP rs2102944873, ClinGen allele CA343726300.